The following is an entry in ClinVar:

ClinVar aggregate classification (germline): Uncertain significance. Review status: criteria provided, multiple submitters, no conflicts (2 of 4 stars). 2 submissions from 2 submitters: Uncertain significance (2). Last evaluated 2026-01-26.

Conditions:
Inborn genetic diseases. Identifiers: MedGen C0950123, MeSH D030342.

Submissions (2):

GeneDx
Classification: Uncertain significance. Last evaluated: 2026-01-26. Review status: criteria provided, single submitter. Criteria: GeneDx Variant Classification Process June 2021. Collection method: clinical testing. Allele origin: germline.
Comment: Not observed at significant frequency in large population cohorts (gnomAD); In-frame deletion of 1amino acid in a non-repeat region; In silico analysis suggests that this variant does not alter protein structure/function; Has not been previously published as pathogenic or benign to our knowledge

Ambry Genetics
Classification: Uncertain significance for Inborn genetic diseases. Last evaluated: 2023-03-13. Review status: criteria provided, single submitter. Criteria: Ambry Variant Classification Scheme 2023. Collection method: clinical testing. Allele origin: germline.
Comment: The c.5941_5943delCTG (p.L1981del) alteration is located in exon 9 (coding exon 7) of the ANKRD11 gene. This alteration consists of an in-frame deletion of 3 nucleotides between nucleotide positions c.5941 and c.5943, resulting in the deletion of <NA> residues. Based on insufficient or conflicting evidence, the clinical significance of this alteration remains unclear.

NM_013275.6(ANKRD11):c.5938CTG[1] (p.Leu1981del)

Gene: ANKRD11 (ankyrin repeat domain 11; minus strand). Cytogenetic location: 16q24.3.
Variant type: Microsatellite.
Coding change: c.5938CTG[1] on transcript NM_013275.6 (MANE Select); one copy of the 3-base unit CTG starting at c.5938; the reference has two copies in a row; one copy, 3 bases deleted; also written c.5941_5943del.
Protein change: p.Leu1981del; deletes leucine 1981.
Molecular consequence: inframe deletion.
Genome position (GRCh38, 1-based): chr16:89,280,599-89,280,601, CAG deleted on the plus strand (CTG on the coding strand, the reverse complement: ANKRD11 is on the minus strand); deleting any 3 consecutive bases within chr16:89,280,599-89,280,604 gives the same sequence; the position shown is the placement nearest the transcript's 3' end. VCF-style (leftmost placement, unchanged base first): chr16-89280598-TCAG-T. GRCh37 (hg19) VCF-style: chr16-89347006-TCAG-T.
Other names: c.5938CTG[1], p.Leu1981del (NM_001256182.2, NM_001256183.2); c.5941_5943del (NM_013275.5); short protein forms L1981del.
Identifiers: ClinVar variation 2489185 (VCV002489185.3), dbSNP rs2544225349, ClinGen allele CA2580613928.